The following is an entry in ClinVar:

NM_014915.3(ANKRD26):c.1043C>T (p.Ser348Phe)

Gene: ANKRD26 (ankyrin repeat domain 26; minus strand). Cytogenetic location: 10p12.1.
Variant type: single nucleotide variant.
Coding change: c.1043C>T on transcript NM_014915.3 (MANE Select); coding-DNA position 1043, C replaced by T.
Protein change: p.Ser348Phe; replaces serine 348 with phenylalanine.
Molecular consequence: missense variant.
Genome position (GRCh38, 1-based): chr10:27,077,372, G>A on the plus strand (C>T on the coding strand, the complement: ANKRD26 is on the minus strand). VCF-style: chr10-27077372-G-A. GRCh37 (hg19) VCF-style: chr10-27366301-G-A.
Other names: c.1043C>T, p.Ser348Phe (NM_001256053.2); short protein forms S348F.
Identifiers: ClinVar variation 4578709 (VCV004578709.1).

ClinVar aggregate classification (germline): Uncertain significance (1 of 4 stars; one submission).

Conditions:
Inborn genetic diseases. Identifiers: MedGen C0950123, MeSH D030342.

Submission:

Ambry Genetics
Classification: Uncertain significance for Inborn genetic diseases. Last evaluated: 2025-11-05. Review status: criteria provided, single submitter. Criteria: Ambry Variant Classification Scheme 2023. Collection method: clinical testing. Allele origin: germline.
Comment: The p.S348F variant (also known as c.1043C>T), located in coding exon 9 of the ANKRD26 gene, results from a C to T substitution at nucleotide position 1043. The serine at codon 348 is replaced by phenylalanine, an amino acid with highly dissimilar properties. This amino acid position is conserved. In addition, this alteration is predicted to be tolerated by in silico analysis. Based on the available evidence, the clinical significance of this variant remains unclear.